The following is an entry in ClinVar:

NM_017671.4(FERMT1):c.-301C>T

Gene: FERMT1 (FERM domain containing kindlin 1; minus strand). Cytogenetic location: 20p12.3.
Variant type: single nucleotide variant.
Coding change: c.-301C>T on transcript NM_017671.4; 301 bases upstream of the start codon, C replaced by T.
Genome position (GRCh38, 1-based): chr20:6,123,056, G>A on the plus strand (C>T on the coding strand, the complement: FERMT1 is on the minus strand). VCF-style: chr20-6123056-G-A. GRCh37 (hg19) VCF-style: chr20-6103703-G-A.
Identifiers: ClinVar variation 339246 (VCV000339246.8), dbSNP rs116782539, ClinGen allele CA10650159.

ClinVar aggregate classification (germline): Benign. Review status: criteria provided, multiple submitters, no conflicts (2 of 4 stars). 2 submissions from 2 submitters: Benign (2). Last evaluated 2018-01-13.

Conditions:
Kindler syndrome (KNDLRS). Also called: Poikiloderma of Kindler; Congenital bullous poikiloderma; POIKILODERMA, CONGENITAL, WITH BULLAE, WEARY TYPE; POIKILODERMA, HEREDITARY ACROKERATOTIC; BULLOUS ACROKERATOTIC POIKILODERMA OF KINDLER AND WEARY; Kindler's syndrome. Identifiers: Orphanet 2908, Orphanet 306539, MedGen C0406557, MONDO:0008260, OMIM 173650.

Allele frequency attached by ClinVar (database versions not stated): 1000 Genomes Project 30x 0.04934; 1000 Genomes Project 0.04692; gnomAD 0.04126 and 0.04435; TOPMed 0.04609.

Submissions (2):

Illumina Laboratory Services, Illumina
Classification: Benign for Kindler syndrome. Last evaluated: 2018-01-13. Review status: criteria provided, single submitter. Criteria: ICSL Variant Classification Criteria 13 December 2019. Collection method: clinical testing. Allele origin: germline.
Comment: This variant was observed in the ICSL laboratory as part of a predisposition screen in an ostensibly healthy population. It had not been previously curated by ICSL or reported in the Human Gene Mutation Database (HGMD: prior to June 1st, 2018), and was therefore a candidate for classification through an automated scoring system. Utilizing variant allele frequency, disease prevalence and penetrance estimates, and inheritance mode, an automated score was calculated to assess if this variant is too frequent to cause the disease. Based on the score and internal cut-off values, a variant classified as benign is not then subjected to further curation. The score for this variant resulted in a classification of benign for this disease.

Breakthrough Genomics
Classification: Benign. Review status: criteria provided, single submitter. Criteria: ACMG Guidelines, 2015. Collection method: not provided. Allele origin: germline. Inheritance: Autosomal recessive inheritance. Affected: yes.